The following is an entry in ClinVar:

NM_000088.4(COL1A1):c.2558T>C (p.Ile853Thr)

Gene: COL1A1 (collagen type I alpha 1 chain; minus strand). Cytogenetic location: 17q21.33.
Variant type: single nucleotide variant.
Coding change: c.2558T>C on transcript NM_000088.4 (MANE Select); coding-DNA position 2558, T replaced by C.
Protein change: p.Ile853Thr; replaces isoleucine 853 with threonine.
Molecular consequence: missense variant.
Genome position (GRCh38, 1-based): chr17:50,190,002, A>G on the plus strand (T>C on the coding strand, the complement: COL1A1 is on the minus strand). VCF-style: chr17-50190002-A-G. GRCh37 (hg19) VCF-style: chr17-48267363-A-G.
Other names: short protein forms I853T.
Identifiers: ClinVar variation 1366021 (VCV001366021.6), dbSNP rs2144552753, ClinGen allele CA400207464.
Genomic context (GRCh38, chr17:50,190,002, plus strand): 5'-GGACCCGTCCTGGGTCCCAGCCCACCAGCCTCGTGGGCACAGAGGGCCAAGCCACTCACA[A>G]TGGGGCCAGGGGGTCCAGCGGGTCCGGCAGGGCCAGGGGGACCAGCATCGCCTTTAGCAC-3'
Protein context (NP_000079.2, residues 843-863): PAGPAGPPGP[Ile853Thr]GNVGAPGAKG

ClinVar aggregate classification (germline): Uncertain significance (1 of 4 stars; one submission).

Conditions:
Osteogenesis imperfecta type I (OI1). Also called: Lobstein's Disease; OI, TYPE I; OSTEOGENESIS IMPERFECTA TARDA; OSTEOGENESIS IMPERFECTA WITH BLUE SCLERAE; Osteogenesis imperfecta type 1; Lobstein disease. Identifiers: Orphanet 216796, Orphanet 666, MedGen C0023931, MONDO:0008146, OMIM 166200. Disease mechanism: loss of function.

Allele frequency attached by ClinVar (database versions not stated): gnomAD exomes below 0.00001.
gnomAD v4.1: 2 of 1,606,984 alleles (0.00012%); highest among the groups gnomAD compares: South Asian, 0.0011%; no homozygotes.

Submission:

Labcorp Genetics (formerly Invitae), Labcorp
Classification: Uncertain significance for Osteogenesis imperfecta type I. Last evaluated: 2023-07-07. Review status: criteria provided, single submitter. Criteria: Invitae Variant Classification Sherloc (09022015). Collection method: clinical testing. Allele origin: germline.
Comment: In summary, the available evidence is currently insufficient to determine the role of this variant in disease. Therefore, it has been classified as a Variant of Uncertain Significance. Experimental studies and prediction algorithms are not available or were not evaluated, and the functional significance of this variant is currently unknown. ClinVar contains an entry for this variant (Variation ID: 1366021). This variant has not been reported in the literature in individuals affected with COL1A1-related conditions. This variant is not present in population databases (gnomAD no frequency). This sequence change replaces isoleucine, which is neutral and non-polar, with threonine, which is neutral and polar, at codon 853 of the COL1A1 protein (p.Ile853Thr).